The following is an entry in ClinVar:

ClinVar aggregate classification (germline): Uncertain significance (1 of 4 stars; one submission).

Conditions:
Gastrointestinal stromal tumor. Also called: Gastrointestinal stromal tumor, somatic; Gastrointestinal stroma tumor. Identifiers: Orphanet 44890, MedGen C0238198, MeSH D046152, MONDO:0011719, OMIM 606764, HP:0100723.

Submission:

Labcorp Genetics (formerly Invitae), Labcorp
Classification: Uncertain significance for Gastrointestinal stromal tumor. Last evaluated: 2023-07-12. Review status: criteria provided, single submitter. Criteria: Invitae Variant Classification Sherloc (09022015). Collection method: clinical testing. Allele origin: germline.
Comment: In summary, the available evidence is currently insufficient to determine the role of this variant in disease. Therefore, it has been classified as a Variant of Uncertain Significance. An algorithm developed to predict the effect of missense changes on protein structure and function (PolyPhen-2) suggests that this variant is likely to be tolerated. This variant has not been reported in the literature in individuals affected with KIT-related conditions. This variant is not present in population databases (gnomAD no frequency). This sequence change replaces leucine, which is neutral and non-polar, with arginine, which is basic and polar, at codon 18 of the KIT protein (p.Leu18Arg).

NM_000222.3(KIT):c.53T>G (p.Leu18Arg)

Gene: KIT (KIT proto-oncogene, receptor tyrosine kinase; plus strand). Cytogenetic location: 4q12.
Variant type: single nucleotide variant.
Coding change: c.53T>G on transcript NM_000222.3 (MANE Select); coding-DNA position 53, T replaced by G.
Protein change: p.Leu18Arg; replaces leucine 18 with arginine.
Molecular consequence: missense variant.
Genome position (GRCh38, 1-based): chr4:54,658,067, T>G. VCF-style: chr4-54658067-T-G. GRCh37 (hg19) VCF-style: chr4-55524234-T-G.
Other names: c.53T>G, p.Leu18Arg (NM_001093772.2, NM_001385284.1, NM_001385285.1 and 4 more transcripts); short protein forms L18R.
Identifiers: ClinVar variation 2742125 (VCV002742125.3), dbSNP rs2109521273, ClinGen allele CA356897996.